The following is an entry in ClinVar:

ClinVar aggregate classification (germline): Uncertain significance. Review status: criteria provided, multiple submitters, no conflicts (2 of 4 stars). 2 submissions from 2 submitters: Uncertain significance (2). Last evaluated 2024-07-31.

Conditions:
Townes syndrome (TBS). Also called: Townes-Brocks syndrome. Identifiers: Orphanet 857, MedGen C0265246, MeSH C536974, MONDO:0007142.
Inborn genetic diseases. Identifiers: MedGen C0950123, MeSH D030342.

Allele frequency attached by ClinVar (database versions not stated): gnomAD exomes below 0.00001; TOPMed below 0.00001.
gnomAD v4.1: 3 of 1,614,114 alleles (0.00019%); highest among the groups gnomAD compares: Non-Finnish European, 0.00025%; no homozygotes.

Submissions (2):

Ambry Genetics
Classification: Uncertain significance for Inborn genetic diseases. Last evaluated: 2024-07-31. Review status: criteria provided, single submitter. Criteria: Ambry Variant Classification Scheme 2023. Collection method: clinical testing. Allele origin: germline.

Labcorp Genetics (formerly Invitae), Labcorp
Classification: Uncertain significance for Townes syndrome. Last evaluated: 2022-08-20. Review status: criteria provided, single submitter. Criteria: Invitae Variant Classification Sherloc (09022015). Collection method: clinical testing. Allele origin: germline.
Comment: This sequence change replaces tyrosine, which is neutral and polar, with cysteine, which is neutral and slightly polar, at codon 528 of the SALL1 protein (p.Tyr528Cys). This variant is present in population databases (no rsID available, gnomAD 0.0009%). This variant has not been reported in the literature in individuals affected with SALL1-related conditions. Algorithms developed to predict the effect of missense changes on protein structure and function are either unavailable or do not agree on the potential impact of this missense change (SIFT: "Deleterious"; PolyPhen-2: "Probably Damaging"; Align-GVGD: "Class C0"). In summary, the available evidence is currently insufficient to determine the role of this variant in disease. Therefore, it has been classified as a Variant of Uncertain Significance.

NM_002968.3(SALL1):c.1583A>G (p.Tyr528Cys)

Gene: SALL1 (spalt like transcription factor 1; minus strand). Cytogenetic location: 16q12.1.
Variant type: single nucleotide variant.
Coding change: c.1583A>G on transcript NM_002968.3 (MANE Select); coding-DNA position 1583, A replaced by G.
Protein change: p.Tyr528Cys; replaces tyrosine 528 with cysteine.
Molecular consequence: missense variant.
Genome position (GRCh38, 1-based): chr16:51,140,639, T>C on the plus strand (A>G on the coding strand, the complement: SALL1 is on the minus strand). VCF-style: chr16-51140639-T-C. GRCh37 (hg19) VCF-style: chr16-51174550-T-C.
Other names: c.1292A>G, p.Tyr431Cys (NM_001127892.2); short protein forms Y431C, Y528C.
Identifiers: ClinVar variation 1972836 (VCV001972836.6), dbSNP rs1027802595, ClinGen allele CA281301838.